The following is an entry in ClinVar:

ClinVar aggregate classification (germline): Uncertain significance (1 of 4 stars; one submission).

Submission:

Labcorp Genetics (formerly Invitae), Labcorp
Classification: Uncertain significance. Last evaluated: 2024-07-31. Review status: criteria provided, single submitter. Criteria: Invitae Variant Classification Sherloc (09022015). Collection method: clinical testing. Allele origin: germline.
Comment: This sequence change replaces threonine, which is neutral and polar, with methionine, which is neutral and non-polar, at codon 259 of the NEFH protein (p.Thr259Met). This variant is not present in population databases (gnomAD no frequency). This variant has not been reported in the literature in individuals affected with NEFH-related conditions. Advanced modeling of protein sequence and biophysical properties (such as structural, functional, and spatial information, amino acid conservation, physicochemical variation, residue mobility, and thermodynamic stability) performed at Invitae indicates that this missense variant is not expected to disrupt NEFH protein function with a negative predictive value of 95%. In summary, the available evidence is currently insufficient to determine the role of this variant in disease. Therefore, it has been classified as a Variant of Uncertain Significance.

NM_021076.4(NEFH):c.776C>T (p.Thr259Met)

Gene: NEFH (neurofilament heavy chain; plus strand). Cytogenetic location: 22q12.2.
Variant type: single nucleotide variant.
Coding change: c.776C>T on transcript NM_021076.4 (MANE Select); coding-DNA position 776, C replaced by T.
Protein change: p.Thr259Met; replaces threonine 259 with methionine.
Molecular consequence: missense variant.
Genome position (GRCh38, 1-based): chr22:29,481,038, C>T. VCF-style: chr22-29481038-C-T. GRCh37 (hg19) VCF-style: chr22-29877027-C-T.
Other names: short protein forms T259M.
Identifiers: ClinVar variation 3681208 (VCV003681208.2).